The following is an entry in ClinVar:

ClinVar aggregate classification (germline): Uncertain significance. Review status: criteria provided, multiple submitters, no conflicts (2 of 4 stars). 2 submissions from 2 submitters: Uncertain significance (2). Last evaluated 2025-02-25.

Conditions:
Hereditary cancer-predisposing syndrome. Also called: Tumor predisposition; Hereditary Cancer Syndrome; Hereditary neoplastic syndrome; Neoplastic Syndromes, Hereditary. Identifiers: Orphanet 140162, MedGen C0027672, MeSH D009386, MONDO:0015356.
Lynch syndrome 5 (LYNCH5). Also called: Hereditary non-polyposis colorectal cancer, type 5; Colorectal cancer, hereditary nonpolyposis, type 5. Identifiers: Orphanet 144, MedGen C1833477, MONDO:0013710, OMIM 614350. Disease mechanism: loss of function.

Submissions (2):

Ambry Genetics
Classification: Uncertain significance for Hereditary cancer-predisposing syndrome. Last evaluated: 2025-02-25. Review status: criteria provided, single submitter. Criteria: Ambry Variant Classification Scheme 2023. Collection method: clinical testing. Allele origin: germline.
Comment: The p.A168V variant (also known as c.503C>T), located in coding exon 3 of the MSH6 gene, results from a C to T substitution at nucleotide position 503. The alanine at codon 168 is replaced by valine, an amino acid with similar properties. This amino acid position is poorly conserved in available vertebrate species. In addition, this alteration is predicted to be tolerated by in silico analysis. Based on the available evidence, the clinical significance of this variant remains unclear.

St. Jude Molecular Pathology, St. Jude Children's Research Hospital
Classification: Uncertain significance for Lynch syndrome 5. Last evaluated: 2021-03-31. Review status: criteria provided, single submitter. Criteria: St. Jude Assertion Criteria 2020. Collection method: clinical testing. Allele origin: germline.
Comment: The MSH6 c.503C>T (p.Ala168Val) missense change is absent in gnomAD v2.1.1 (PM2_Supporting). Six of seven in silico tools predict a benign effect of this variant on protein function (BP4), but to our knowledge these predictions have not been confirmed by functional assays. To our knowledge, this variant has not been reported in individuals with Lynch syndrome or CMMRD. In summary, this variant meets criteria to be classified as of uncertain significance based on the ACMG/AMP criteria: PM2_Supporting, BP4.

NM_000179.3(MSH6):c.503C>T (p.Ala168Val)

Gene: MSH6 (mutS homolog 6; plus strand). Cytogenetic location: 2p16.3.
Variant type: single nucleotide variant.
Coding change: c.503C>T on transcript NM_000179.3 (MANE Select); coding-DNA position 503, C replaced by T.
Protein change: p.Ala168Val; replaces alanine 168 with valine.
Molecular consequence: missense variant. On other transcripts: 5 prime UTR variant (1), intron variant (2).
Genome position (GRCh38, 1-based): chr2:47,795,939, C>T. VCF-style: chr2-47795939-C-T. GRCh37 (hg19) VCF-style: chr2-48023078-C-T.
Other names: c.-400C>T (NM_001281494.2); c.-279-2672C>T (NM_001281493.2); c.238-2672C>T (NM_001281492.2); short protein forms A168V.
Identifiers: ClinVar variation 486916 (VCV000486916.8), dbSNP rs774162322, ClinGen allele CA346738653.